The following is an entry in ClinVar:

ClinVar aggregate classification (germline): Conflicting classifications of pathogenicity. Review status: criteria provided, conflicting classifications (1 of 4 stars). 2 submissions from 2 submitters: Uncertain significance (1); Likely benign (1). Last evaluated 2025-10-27.

Conditions:
Inborn genetic diseases. Identifiers: MedGen C0950123, MeSH D030342.
Benign neonatal seizures. Also called: Benign familial neonatal seizures; Benign familial neonatal epilepsy; Convulsions benign familial neonatal dominant form; Autosomal dominant form of benign neonatal seizures; Benign neonatal familial convulsions. Identifiers: Orphanet 1949, MedGen C0220669, MONDO:0016027.

Allele frequency attached by ClinVar (database versions not stated): gnomAD 0.00001; gnomAD exomes 0.00001 and 0.00002; TOPMed 0.00001; ExAC 0.00003; 1000 Genomes Project 30x 0.00016; 1000 Genomes Project 0.00020.
gnomAD v4.1: 10 of 1,613,930 alleles (0.00062%); highest among the groups gnomAD compares: East Asian, 0.02%; no homozygotes.

Submissions (2):

Labcorp Genetics (formerly Invitae), Labcorp
Classification: Uncertain significance for Benign neonatal seizures. Last evaluated: 2025-10-27. Review status: criteria provided, single submitter. Criteria: Invitae Variant Classification Sherloc (09022015). Collection method: clinical testing. Allele origin: germline.
Comment: This sequence change replaces threonine, which is neutral and polar, with serine, which is neutral and polar, at codon 592 of the KCNQ3 protein (p.Thr592Ser). This variant is present in population databases (rs556421495, gnomAD 0.03%). This variant has not been reported in the literature in individuals affected with KCNQ3-related conditions. ClinVar contains an entry for this variant (Variation ID: 471218). Invitae Evidence Modeling of protein sequence and biophysical properties (such as structural, functional, and spatial information, amino acid conservation, physicochemical variation, residue mobility, and thermodynamic stability) indicates that this missense variant is not expected to disrupt KCNQ3 protein function with a negative predictive value of 95%. In summary, the available evidence is currently insufficient to determine the role of this variant in disease. Therefore, it has been classified as a Variant of Uncertain Significance.

Ambry Genetics
Classification: Likely benign for Inborn genetic diseases. Last evaluated: 2023-05-17. Review status: criteria provided, single submitter. Criteria: Ambry Variant Classification Scheme 2023. Collection method: clinical testing. Allele origin: germline.

NM_004519.4(KCNQ3):c.1775C>G (p.Thr592Ser)

Gene: KCNQ3 (potassium voltage-gated channel subfamily Q member 3; minus strand). Cytogenetic location: 8q24.22.
Variant type: single nucleotide variant.
Coding change: c.1775C>G on transcript NM_004519.4 (MANE Select); coding-DNA position 1775, C replaced by G.
Protein change: p.Thr592Ser; replaces threonine 592 with serine.
Molecular consequence: missense variant.
Genome position (GRCh38, 1-based): chr8:132,134,314, G>C on the plus strand (C>G on the coding strand, the complement: KCNQ3 is on the minus strand). VCF-style: chr8-132134314-G-C. GRCh37 (hg19) VCF-style: chr8-133146561-G-C.
Other names: c.1415C>G, p.Thr472Ser (NM_001204824.2); short protein forms T592S, T472S.
Identifiers: ClinVar variation 471218 (VCV000471218.12), dbSNP rs556421495, ClinGen allele CA4880598.
Genomic context (GRCh38, chr8:132,134,314, plus strand): 5'-ACCCCTGGCCCATCAGTCCATGTCCACTGGCCCCACCTGGGAGATTGCTGGGATGGGAAG[G>C]TGAATGCTGACCCTTTCTGAGACTTCTTGTGTTTTGGCGTGGAGGGAGGTCCAGGGGTGA-3'
Protein context (NP_004510.1, residues 582-602): HKKSQKGSAF[Thr592Ser]FPSQQSPRNE